The following is an entry in ClinVar:

NM_005476.7(GNE):c.257A>C (p.Glu86Ala)

Gene: GNE (glucosamine (UDP-N-acetyl)-2-epimerase/N-acetylmannosamine kinase; minus strand). Cytogenetic location: 9p13.3.
Variant type: single nucleotide variant.
Coding change: c.257A>C on transcript NM_005476.7 (MANE Select); coding-DNA position 257, A replaced by C.
Protein change: p.Glu86Ala; replaces glutamic acid 86 with alanine.
Molecular consequence: missense variant.
Genome position (GRCh38, 1-based): chr9:36,246,390, T>G on the plus strand (A>C on the coding strand, the complement: GNE is on the minus strand). VCF-style: chr9-36246390-T-G. GRCh37 (hg19) VCF-style: chr9-36246387-T-G.
Other names: c.350A>C, p.Glu117Ala (NM_001128227.3); c.257A>C, p.Glu86Ala (NM_001190383.3, NM_001374797.1); c.80A>C, p.Glu27Ala (NM_001190384.3, NM_001190388.2, NM_001374798.1); short protein forms E117A, E86A, E27A.
Identifiers: ClinVar variation 1380524 (VCV001380524.8), dbSNP rs2133113605, ClinGen allele CA373419807.

ClinVar aggregate classification (germline): Uncertain significance (1 of 4 stars; one submission).

Conditions:
Sialuria. Also called: SIALURIA, FRENCH TYPE; Sialic Acid Storage Disease. Identifiers: Orphanet 3166, MedGen C0342853, MONDO:0010028, OMIM 269921.
GNE myopathy (NM). Also called: INCLUSION BODY MYOPATHY 2, AUTOSOMAL RECESSIVE; MYOPATHY, DISTAL, WITH OR WITHOUT RIMMED VACUOLES; IBM 2; Inclusion body myopathy autosomal recessive; Inclusion body myopathy quadriceps sparing; NONAKA DISTAL MYOPATHY. Identifiers: Orphanet 602, MedGen C1853926, MONDO:0011603, OMIM 605820.

Submission:

Labcorp Genetics (formerly Invitae), Labcorp
Classification: Uncertain significance for Sialuria; GNE myopathy. Last evaluated: 2025-07-27. Review status: criteria provided, single submitter. Criteria: Invitae Variant Classification Sherloc (09022015). Collection method: clinical testing. Allele origin: germline.
Comment: This sequence change replaces glutamic acid, which is acidic and polar, with alanine, which is neutral and non-polar, at codon 117 of the GNE protein (p.Glu117Ala). This variant is not present in population databases (gnomAD no frequency). This variant has not been reported in the literature in individuals affected with GNE-related conditions. ClinVar contains an entry for this variant (Variation ID: 1380524). Invitae Evidence Modeling of protein sequence and biophysical properties (such as structural, functional, and spatial information, amino acid conservation, physicochemical variation, residue mobility, and thermodynamic stability) has been performed for this missense variant. However, the output from this modeling did not meet the statistical confidence thresholds required to predict the impact of this variant on GNE protein function. In summary, the available evidence is currently insufficient to determine the role of this variant in disease. Therefore, it has been classified as a Variant of Uncertain Significance.